The following is an entry in ClinVar:

ClinVar aggregate classification (germline): Uncertain significance (1 of 4 stars; one submission).

Allele frequency attached by ClinVar (database versions not stated): gnomAD 0.00001.
gnomAD v4.1: 6 of 1,613,170 alleles (0.00037%); highest among the groups gnomAD compares: African/African-American, 0.0027%; no homozygotes.

Submission:

Labcorp Genetics (formerly Invitae), Labcorp
Classification: Uncertain significance. Last evaluated: 2021-08-15. Review status: criteria provided, single submitter. Criteria: Invitae Variant Classification Sherloc (09022015). Collection method: clinical testing. Allele origin: germline.
Comment: This sequence change replaces glutamic acid with lysine at codon 98 of the COL18A1 protein (p.Glu98Lys). The COL18A1 gene has multiple clinically relevant transcripts. This variant occurs in alternate transcript NM_030582.3, and corresponds to NM_130445.3:c.107-12420G>A in the primary transcript. This variant is not present in population databases (ExAC no frequency). This variant has not been reported in the literature in individuals affected with COL18A1-related conditions. Experimental studies and prediction algorithms are not available or were not evaluated, and the functional significance of this variant is currently unknown. In summary, the available evidence is currently insufficient to determine the role of this variant in disease. Therefore, it has been classified as a Variant of Uncertain Significance.

NM_001379500.1(COL18A1):c.107-12420G>A

Gene: COL18A1 (collagen type XVIII alpha 1 chain; plus strand). Cytogenetic location: 21q22.3.
Variant type: single nucleotide variant.
Coding change: c.107-12420G>A on transcript NM_001379500.1 (MANE Select); 12420 bases into the intron before coding-DNA position 107, G replaced by A.
Molecular consequence: intron variant. On other transcripts: missense variant (2).
Genome position (GRCh38, 1-based): chr21:45,455,822, G>A. VCF-style: chr21-45455822-G-A. GRCh37 (hg19) VCF-style: chr21-46875736-G-A.
Other names: c.292G>A, p.Glu98Lys (NM_030582.4, NM_130444.3); short protein forms E98K.
Identifiers: ClinVar variation 1464921 (VCV001464921.3), dbSNP rs781638267, ClinGen allele CA410505526.
Genomic context (GRCh38, chr21:45,455,822, plus strand): 5'-GGCAGCCCTGAGCCACCCTCAGAGCTGCTGGAAGATGGCCAGGACACCCCCACTTCTGCC[G>A]AGAGCCCGGACGCGCCAGAGGAGAACATTGCCGGTGTCGGAGCCGAGATCCTGAACGTGG-3'